The following is an entry in ClinVar:

NM_014908.4(DOLK):c.1535C>T (p.Thr512Ile)

Gene: DOLK (dolichol kinase; minus strand). Cytogenetic location: 9q34.11.
Variant type: single nucleotide variant.
Coding change: c.1535C>T on transcript NM_014908.4 (MANE Select); coding-DNA position 1535, C replaced by T.
Protein change: p.Thr512Ile; replaces threonine 512 with isoleucine.
Molecular consequence: missense variant.
Genome position (GRCh38, 1-based): chr9:128,945,769, G>A on the plus strand (C>T on the coding strand, the complement: DOLK is on the minus strand). VCF-style: chr9-128945769-G-A. GRCh37 (hg19) VCF-style: chr9-131708048-G-A.
Other names: short protein forms T512I.
Identifiers: ClinVar variation 1375121 (VCV001375121.3), dbSNP rs1166313359, ClinGen allele CA375115811.

ClinVar aggregate classification (germline): Uncertain significance (1 of 4 stars; one submission).

Conditions:
DK1-congenital disorder of glycosylation. Also called: DK1-CDG; DOLK-congenital disorder of glycosylation; Carbohydrate deficient glycoprotein syndrome type 1m; CDG Im; DK1 DEFICIENCY; DOLICHOL KINASE DEFICIENCY. Identifiers: Orphanet 91131, MedGen C1835849, MONDO:0012556, OMIM 610768.

Allele frequency attached by ClinVar (database versions not stated): TOPMed below 0.00001; gnomAD 0.00001.

Submission:

Labcorp Genetics (formerly Invitae), Labcorp
Classification: Uncertain significance for DK1-congenital disorder of glycosylation. Last evaluated: 2021-08-15. Review status: criteria provided, single submitter. Criteria: Invitae Variant Classification Sherloc (09022015). Collection method: clinical testing. Allele origin: germline.
Comment: This sequence change replaces threonine with isoleucine at codon 512 of the DOLK protein (p.Thr512Ile). The threonine residue is weakly conserved and there is a moderate physicochemical difference between threonine and isoleucine. This variant is not present in population databases (ExAC no frequency). This variant has not been reported in the literature in individuals affected with DOLK-related conditions. Algorithms developed to predict the effect of missense changes on protein structure and function output the following: SIFT: "Tolerated"; PolyPhen-2: "Benign"; Align-GVGD: "Class C0". The isoleucine amino acid residue is found in multiple mammalian species, which suggests that this missense change does not adversely affect protein function. In summary, the available evidence is currently insufficient to determine the role of this variant in disease. Therefore, it has been classified as a Variant of Uncertain Significance.